The following is an entry in ClinVar:

NM_024334.3(TMEM43):c.550T>C (p.Phe184Leu)

Gene: TMEM43 (transmembrane protein 43; plus strand). Cytogenetic location: 3p25.1.
Variant type: single nucleotide variant.
Coding change: c.550T>C on transcript NM_024334.3 (MANE Select); coding-DNA position 550, T replaced by C.
Protein change: p.Phe184Leu; replaces phenylalanine 184 with leucine.
Molecular consequence: missense variant.
Genome position (GRCh38, 1-based): chr3:14,133,776, T>C. VCF-style: chr3-14133776-T-C. GRCh37 (hg19) VCF-style: chr3-14175276-T-C.
Other names: c.553T>C, p.Phe185Leu (NM_001407274.1); c.550T>C, p.Phe184Leu (NM_001407275.1, NM_001407276.1, NM_001407277.1 and 1 more transcripts); c.535T>C, p.Phe179Leu (NM_001407278.1); c.400T>C, p.Phe134Leu (NM_001407280.1); short protein forms F134L, F179L, F184L, F185L.
Identifiers: ClinVar variation 3611393 (VCV003611393.3).
Genomic context (GRCh38, chr3:14,133,776, plus strand): 5'-TGACAGCTTCCTCTCTCCCACAGTGCCATGGCAGTGGAGTCATTCATGGCAACAGCCCCC[T>C]TTGTCCAAATTGGCAGGTTTTTCCTCTCGTCAGGTAAGTCTCAGGCCTCTCCAGAGGAGC-3'
Protein context (NP_077310.1, residues 174-194): AVESFMATAP[Phe184Leu]VQIGRFFLSS

ClinVar aggregate classification (germline): Uncertain significance. Review status: criteria provided, multiple submitters, no conflicts (2 of 4 stars). 2 submissions from 2 submitters: Uncertain significance (2). Last evaluated 2025-09-17.

Conditions:
Cardiovascular phenotype. Identifiers: MedGen CN230736.
Arrhythmogenic right ventricular dysplasia 5. Also called: Arrhythmogenic Right Ventricular Dysplasia/Cardiomyopathy 5; ARRHYTHMOGENIC RIGHT VENTRICULAR DYSPLASIA, FAMILIAL, 5. Identifiers: MedGen C1858379, MONDO:0011459, OMIM 604400.

Submissions (2):

Ambry Genetics
Classification: Uncertain significance for Cardiovascular phenotype. Last evaluated: 2025-09-17. Review status: criteria provided, single submitter. Criteria: Ambry Variant Classification Scheme 2023. Collection method: clinical testing. Allele origin: germline.
Comment: The p.F184L variant (also known as c.550T>C), located in coding exon 7 of the TMEM43 gene, results from a T to C substitution at nucleotide position 550. The phenylalanine at codon 184 is replaced by leucine, an amino acid with highly similar properties. This amino acid position is conserved. In addition, this alteration is predicted to be tolerated by in silico analysis. Based on the available evidence, the clinical significance of this variant remains unclear.

Labcorp Genetics (formerly Invitae), Labcorp
Classification: Uncertain significance for Arrhythmogenic right ventricular dysplasia 5. Last evaluated: 2025-01-19. Review status: criteria provided, single submitter. Criteria: Invitae Variant Classification Sherloc (09022015). Collection method: clinical testing. Allele origin: germline.
Comment: This sequence change replaces phenylalanine, which is neutral and non-polar, with leucine, which is neutral and non-polar, at codon 184 of the TMEM43 protein (p.Phe184Leu). This variant is not present in population databases (gnomAD no frequency). This variant has not been reported in the literature in individuals affected with TMEM43-related conditions. Invitae Evidence Modeling of protein sequence and biophysical properties (such as structural, functional, and spatial information, amino acid conservation, physicochemical variation, residue mobility, and thermodynamic stability) indicates that this missense variant is not expected to disrupt TMEM43 protein function with a negative predictive value of 80%. In summary, the available evidence is currently insufficient to determine the role of this variant in disease. Therefore, it has been classified as a Variant of Uncertain Significance.